The following is an entry in ClinVar:

NM_000784.4(CYP27A1):c.865A>C (p.Lys289Gln)

Gene: CYP27A1 (cytochrome P450 family 27 subfamily A member 1; plus strand). Cytogenetic location: 2q35.
Variant type: single nucleotide variant.
Coding change: c.865A>C on transcript NM_000784.4 (MANE Select); coding-DNA position 865, A replaced by C.
Protein change: p.Lys289Gln; replaces lysine 289 with glutamine.
Molecular consequence: missense variant.
Genome position (GRCh38, 1-based): chr2:218,812,944, A>C. VCF-style: chr2-218812944-A-C. GRCh37 (hg19) VCF-style: chr2-219677667-A-C.
Other names: short protein forms K289Q.
Identifiers: ClinVar variation 4800348 (VCV004800348.1).

ClinVar aggregate classification (germline): Uncertain significance (1 of 4 stars; one submission).

Conditions:
Cholestanol storage disease (CTX). Also called: Cerebrotendinous Xanthomatosis; CTX: Cerebrotendinous xanthomatosis; CEREBRAL CHOLESTERINOSIS. Identifiers: Orphanet 909, MedGen C0238052, MONDO:0008948, OMIM 213700.

gnomAD v4.1: 1 of 1,614,148 alleles (0.000062%); highest among the groups gnomAD compares: Non-Finnish European, 0.000085%; no homozygotes.

Submission:

Labcorp Genetics (formerly Invitae), Labcorp
Classification: Uncertain significance for Cholestanol storage disease. Last evaluated: 2025-04-08. Review status: criteria provided, single submitter. Criteria: Invitae Variant Classification Sherloc (09022015). Collection method: clinical testing. Allele origin: germline.
Comment: This sequence change replaces lysine, which is basic and polar, with glutamine, which is neutral and polar, at codon 289 of the CYP27A1 protein (p.Lys289Gln). This variant is not present in population databases (gnomAD no frequency). This variant has not been reported in the literature in individuals affected with CYP27A1-related conditions. Invitae Evidence Modeling of protein sequence and biophysical properties (such as structural, functional, and spatial information, amino acid conservation, physicochemical variation, residue mobility, and thermodynamic stability) has been performed for this missense variant. However, the output from this modeling did not meet the statistical confidence thresholds required to predict the impact of this variant on CYP27A1 protein function. In summary, the available evidence is currently insufficient to determine the role of this variant in disease. Therefore, it has been classified as a Variant of Uncertain Significance.